The following is an entry in ClinVar:

ClinVar aggregate classification (germline): Pathogenic (1 of 4 stars; one submission).

Submission:

Labcorp Genetics (formerly Invitae), Labcorp
Classification: Pathogenic. Last evaluated: 2022-02-25. Review status: criteria provided, single submitter. Criteria: Invitae Variant Classification Sherloc (09022015). Collection method: clinical testing. Allele origin: germline.
Comment: For these reasons, this variant has been classified as Pathogenic. This sequence change creates a premature translational stop signal (p.Leu240Tyrfs*14) in the RP2 gene. It is expected to result in an absent or disrupted protein product. Loss-of-function variants in RP2 are known to be pathogenic (PMID: 11992260, 20625056). This variant is not present in population databases (gnomAD no frequency). This premature translational stop signal has been observed in individual(s) with retinitis pigmentosa (PMID: 26667666). This variant is also known as c.718delT.

Literature cited by the submitters: PubMed 11992260; PubMed 20625056; PubMed 26667666.

NM_006915.3(RP2):c.719del (p.Leu240fs)

Gene: RP2 (RP2 activator of ARL3 GTPase; plus strand). Cytogenetic location: Xp11.3.
Variant type: Deletion.
Coding change: c.719del on transcript NM_006915.3 (MANE Select); coding-DNA position 719, one base deleted (T; older notation c.719delT).
Protein change: p.Leu240fs; shifts the reading frame from leucine 240.
Molecular consequence: frameshift variant.
Genome position (GRCh38, 1-based): chrX:46,854,092, T deleted; the last of 2 consecutive T bases (chrX:46,854,091-46,854,092); deleting either gives the same sequence. VCF-style (leftmost placement, unchanged base first): chrX-46854090-AT-A. GRCh37 (hg19) VCF-style: chrX-46713525-AT-A.
Other names: short protein forms L240fs.
Identifiers: ClinVar variation 1378935 (VCV001378935.6), dbSNP rs2147081573, ClinGen allele CA2573158913.
Genomic context (GRCh38, chrX:46,854,090, plus strand): 5'-CATTGTTCCAATATCCCGGGGTCAGAGACAGAAGAGCAGCGATGAATCATGCTTAGTGGT[AT>A]TATTTGCTGGTGATTACACTATTGCAAATGCCAGAAAACTAATTGATGAGGTAAGGAGAA-3'